The following is an entry in ClinVar:

NM_001184.4(ATR):c.2281T>G (p.Ser761Ala)

Gene: ATR (ATR checkpoint kinase; minus strand). Cytogenetic location: 3q23.
Variant type: single nucleotide variant.
Coding change: c.2281T>G on transcript NM_001184.4 (MANE Select); coding-DNA position 2281, T replaced by G.
Protein change: p.Ser761Ala; replaces serine 761 with alanine.
Molecular consequence: missense variant.
Genome position (GRCh38, 1-based): chr3:142,555,937, A>C on the plus strand (T>G on the coding strand, the complement: ATR is on the minus strand). VCF-style: chr3-142555937-A-C. GRCh37 (hg19) VCF-style: chr3-142274779-A-C.
Other names: c.2089T>G, p.Ser697Ala (NM_001354579.2); short protein forms S697A, S761A.
Identifiers: ClinVar variation 1788953 (VCV001788953.3), dbSNP rs777729532, ClinGen allele CA2650399.

ClinVar aggregate classification (germline): Uncertain significance (1 of 4 stars; one submission).

Conditions:
Inborn genetic diseases. Identifiers: MedGen C0950123, MeSH D030342.

Allele frequency attached by ClinVar (database versions not stated): gnomAD exomes below 0.00001; TOPMed below 0.00001; ExAC 0.00001; gnomAD 0.00001.
gnomAD v4.1: 3 of 1,613,098 alleles (0.00019%); highest among the groups gnomAD compares: Non-Finnish European, 0.00017%; no homozygotes.

Submission:

Ambry Genetics
Classification: Uncertain significance for Inborn genetic diseases. Last evaluated: 2024-09-23. Review status: criteria provided, single submitter. Criteria: Ambry Variant Classification Scheme 2023. Collection method: clinical testing. Allele origin: germline.
Comment: The p.S761A variant (also known as c.2281T>G), located in coding exon 10 of the ATR gene, results from a T to G substitution at nucleotide position 2281. The serine at codon 761 is replaced by alanine, an amino acid with similar properties. This amino acid position is conserved. In addition, this alteration is predicted to be tolerated by in silico analysis. Since supporting evidence is limited at this time, the clinical significance of this alteration remains unclear.